The following is an entry in ClinVar:

ClinVar aggregate classification (germline): Benign/Likely benign. Review status: criteria provided, multiple submitters, no conflicts (2 of 4 stars). 4 submissions from 4 submitters: Benign (3); Likely benign (1). Last evaluated 2026-01-28.

Conditions:
Junctional epidermolysis bullosa, non-Herlitz type. Also called: Adult junctional epidermolysis bullosa; COL17A1-Related Junctional Epidermolysis Bullosa; Epidermolysis bullosa, junctional, non-herlitz type, somatic mosaic revertant; EPIDERMOLYSIS BULLOSA, JUNCTIONAL 1A, INTERMEDIATE; EPIDERMOLYSIS BULLOSA JUNCTIONALIS, DISENTIS TYPE; EPIDERMOLYSIS BULLOSA JUNCTIONALIS, NON-HERLITZ TYPE. Identifiers: Orphanet 251393, Orphanet 79402, Orphanet 79405, Orphanet 89840, MedGen C0268374, MONDO:0009180, OMIM 226650.

Allele frequency attached by ClinVar (database versions not stated): 1000 Genomes Project 0.00140; TOPMed 0.00425; gnomAD exomes 0.00489 and 0.00733; gnomAD 0.00516 and 0.00540; ExAC 0.00545; ESP Exome Variant Server 0.00562.
gnomAD v4.1: 11,364 of 1,603,274 alleles (0.71%); highest among the groups gnomAD compares: Non-Finnish European, 0.87%; 61 homozygotes.

Submissions (4):

Labcorp Genetics (formerly Invitae), Labcorp
Classification: Benign. Last evaluated: 2026-01-28. Review status: criteria provided, single submitter. Criteria: Invitae Variant Classification Sherloc (09022015). Collection method: clinical testing. Allele origin: germline.

CeGaT Center for Human Genetics Tuebingen
Classification: Likely benign. Last evaluated: 2025-01-01. Review status: criteria provided, single submitter. Criteria: CeGaT Center For Human Genetics Tuebingen Variant Classification Criteria Version 2. Collection method: clinical testing. Allele origin: germline. Affected: yes. Observed: 2 variant alleles.
Comment: COL17A1: BP4, BS2

Illumina Laboratory Services, Illumina
Classification: Benign for Junctional epidermolysis bullosa, non-Herlitz type. Last evaluated: 2018-01-13. Review status: criteria provided, single submitter. Criteria: ICSL Variant Classification Criteria 13 December 2019. Collection method: clinical testing. Allele origin: germline.
Comment: This variant was observed in the ICSL laboratory as part of a predisposition screen in an ostensibly healthy population. It had not been previously curated by ICSL or reported in the Human Gene Mutation Database (HGMD: prior to June 1st, 2018), and was therefore a candidate for classification through an automated scoring system. Utilizing variant allele frequency, disease prevalence and penetrance estimates, and inheritance mode, an automated score was calculated to assess if this variant is too frequent to cause the disease. Based on the score and internal cut-off values, a variant classified as benign is not then subjected to further curation. The score for this variant resulted in a classification of benign for this disease.

Breakthrough Genomics
Classification: Benign. Review status: criteria provided, single submitter. Criteria: ACMG Guidelines, 2015. Collection method: not provided. Allele origin: germline. Inheritance: Autosomal recessive inheritance. Affected: yes.

NM_000494.4(COL17A1):c.1306G>A (p.Gly436Arg)

Gene: COL17A1 (collagen type XVII alpha 1 chain; minus strand). Cytogenetic location: 10q25.1.
Variant type: single nucleotide variant.
Coding change: c.1306G>A on transcript NM_000494.4 (MANE Select); coding-DNA position 1306, G replaced by A.
Protein change: p.Gly436Arg; replaces glycine 436 with arginine.
Molecular consequence: missense variant.
Genome position (GRCh38, 1-based): chr10:104,057,134, C>T on the plus strand (G>A on the coding strand, the complement: COL17A1 is on the minus strand). VCF-style: chr10-104057134-C-T. GRCh37 (hg19) VCF-style: chr10-105816892-C-T.
Other names: c.1306G>A, p.Gly436Arg (LRG_1249t1); short protein forms G436R.
Identifiers: ClinVar variation 298739 (VCV000298739.38), dbSNP rs805697, ClinGen allele CA5679075.